The following is an entry in ClinVar:

NM_001374736.1(DST):c.2753G>A (p.Arg918His)

Gene: DST (dystonin; minus strand). Cytogenetic location: 6p12.1.
Variant type: single nucleotide variant.
Coding change: c.2753G>A on transcript NM_001374736.1 (MANE Select); coding-DNA position 2753, G replaced by A.
Protein change: p.Arg918His; replaces arginine 918 with histidine.
Molecular consequence: missense variant.
Genome position (GRCh38, 1-based): chr6:56,639,556, C>T on the plus strand (G>A on the coding strand, the complement: DST is on the minus strand). VCF-style: chr6-56639556-C-T. GRCh37 (hg19) VCF-style: chr6-56504354-C-T.
Other names: c.2654G>A, p.Arg885His (NM_001144769.5); c.2240G>A, p.Arg747His (NM_001144770.2); c.2753G>A, p.Arg918His (NM_001374722.1); c.2120G>A, p.Arg707His (NM_001374729.1, NM_001374730.1, NM_001386100.1 and 1 more transcripts); c.2780G>A, p.Arg927His (NM_001374734.1); c.1142G>A, p.Arg381His (NM_001723.7, NM_015548.5); short protein forms R381H, R918H, R707H, R747H, R885H, R927H.
Identifiers: ClinVar variation 946489 (VCV000946489.8), dbSNP rs777517310, ClinGen allele CA3871330.

ClinVar aggregate classification (germline): Uncertain significance (1 of 4 stars; one submission).

Conditions:
Hereditary sensory and autonomic neuropathy type 6. Also called: HSAN VI; Neuropathy, hereditary sensory and autonomic, type VI. Identifiers: Orphanet 314381, MedGen C3539003, MONDO:0013839, OMIM 614653.
Epidermolysis bullosa simplex 3, localized or generalized intermediate, with BP230 deficiency (EBS3). Also called: Epidermolysis bullosa simplex due to BP230 deficiency; Epidermolysis bullosa simplex, autosomal recessive 2. Identifiers: Orphanet 412181, MedGen C3809470, MONDO:0014180, OMIM 615425.

Allele frequency attached by ClinVar (database versions not stated): ExAC 0.00004; gnomAD exomes 0.00004; TOPMed 0.00005; gnomAD 0.00007.
gnomAD v4.1: 62 of 1,613,608 alleles (0.0038%); highest among the groups gnomAD compares: East Asian, 0.0067%; no homozygotes.

Submission:

Labcorp Genetics (formerly Invitae), Labcorp
Classification: Uncertain significance for Epidermolysis bullosa simplex 3, localized or generalized intermediate, with BP230 deficiency; Hereditary sensory and autonomic neuropathy type 6. Last evaluated: 2023-07-07. Review status: criteria provided, single submitter. Criteria: Invitae Variant Classification Sherloc (09022015). Collection method: clinical testing. Allele origin: germline.
Comment: This variant has not been reported in the literature in individuals affected with DST-related conditions. This variant is present in population databases (rs777517310, gnomAD 0.01%). This sequence change replaces arginine, which is basic and polar, with histidine, which is basic and polar, at codon 381 of the DST protein (p.Arg381His). ClinVar contains an entry for this variant (Variation ID: 946489). In summary, the available evidence is currently insufficient to determine the role of this variant in disease. Therefore, it has been classified as a Variant of Uncertain Significance. An algorithm developed to predict the effect of missense changes on protein structure and function (PolyPhen-2) suggests that this variant is likely to be disruptive.